The following is an entry in ClinVar:

ClinVar aggregate classification (germline): Pathogenic (1 of 4 stars; one submission).

Conditions:
Familial cancer of breast. Also called: Hereditary breast cancer; hereditary breast carcinoma; BREAST CANCER, FAMILIAL. Identifiers: Orphanet 227535, MedGen C0346153, MONDO:0016419, OMIM 114480. Disease mechanism: loss of function.

Submission:

Labcorp Genetics (formerly Invitae), Labcorp
Classification: Pathogenic for Familial cancer of breast. Last evaluated: 2025-08-13. Review status: criteria provided, single submitter. Criteria: Invitae Variant Classification Sherloc (09022015). Collection method: clinical testing. Allele origin: germline.
Comment: This sequence change creates a premature translational stop signal (p.Ser682*) in the PALB2 gene. It is expected to result in an absent or disrupted protein product. Loss-of-function variants in PALB2 are known to be pathogenic (PMID: 17200668, 17200671, 17200672, 24136930, 25099575). This variant is not present in population databases (gnomAD no frequency). This variant has not been reported in the literature in individuals affected with PALB2-related conditions. For these reasons, this variant has been classified as Pathogenic.

Literature cited by the submitters: PubMed 17200668; PubMed 17200671; PubMed 17200672; PubMed 24136930; PubMed 25099575.

NM_024675.4(PALB2):c.2045C>G (p.Ser682Ter)

Gene: PALB2 (partner and localizer of BRCA2; minus strand). Cytogenetic location: 16p12.2.
Variant type: single nucleotide variant.
Coding change: c.2045C>G on transcript NM_024675.4 (MANE Select); coding-DNA position 2045, C replaced by G.
Protein change: p.Ser682Ter; replaces serine 682 with a stop codon.
Molecular consequence: nonsense. On other transcripts: intron variant (1).
Genome position (GRCh38, 1-based): chr16:23,630,109, G>C on the plus strand (C>G on the coding strand, the complement: PALB2 is on the minus strand). VCF-style: chr16-23630109-G-C. GRCh37 (hg19) VCF-style: chr16-23641430-G-C.
Other names: c.1985C>G, p.Ser662Ter (NM_001407296.1); c.2045C>G, p.Ser682Ter (NM_001407297.1, NM_001407298.1, NM_001407299.1 and 3 more transcripts); c.1160C>G, p.Ser387Ter (NM_001407304.1, NM_001407305.1, NM_001407306.1 and 5 more transcripts); c.257C>G, p.Ser86Ter (NM_001407312.1, NM_001407313.1); c.49-834C>G (NM_001407314.1); short protein forms S662*, S86*, S387*, S682*.
Identifiers: ClinVar variation 4725415 (VCV004725415.1).